The following is an entry in ClinVar:

NM_000271.5(NPC1):c.881+6C>T

Gene: NPC1 (NPC intracellular cholesterol transporter 1; minus strand). Cytogenetic location: 18q11.2.
Variant type: single nucleotide variant.
Coding change: c.881+6C>T on transcript NM_000271.5 (MANE Select); 6 bases into the intron after coding-DNA position 881, C replaced by T.
Molecular consequence: intron variant.
Genome position (GRCh38, 1-based): chr18:23,560,225, G>A on the plus strand (C>T on the coding strand, the complement: NPC1 is on the minus strand). VCF-style: chr18-23560225-G-A. GRCh37 (hg19) VCF-style: chr18-21140189-G-A.
Other names: c.881+6C>T (NM_000271.4).
Identifiers: ClinVar variation 1404081 (VCV001404081.5), dbSNP rs1180731498, ClinGen allele CA628978823.

ClinVar aggregate classification (germline): Uncertain significance. Review status: criteria provided, single submitter (1 of 4 stars). 2 submissions from 2 submitters: Uncertain significance (1). 1 of the submissions does not count toward it. Last evaluated 2022-08-23.

Conditions:
NPC1-related disorder. Also called: NPC1-related condition.
Niemann-Pick disease, type C1. Also called: NIEMANN-PICK DISEASE, VARIANT TYPE C1; NEUROVISCERAL STORAGE DISEASE WITH VERTICAL SUPRANUCLEAR OPHTHALMOPLEGIA; NIEMANN-PICK DISEASE WITH CHOLESTEROL ESTERIFICATION BLOCK; NIEMANN-PICK DISEASE WITHOUT SPHINGOMYELINASE DEFICIENCY; NIEMANN-PICK DISEASE, CHRONIC NEURONOPATHIC FORM. Identifiers: Orphanet 646, MedGen C3179455, MONDO:0009757, OMIM 257220.

Allele frequency attached by ClinVar (database versions not stated): gnomAD 0.00001; TOPMed 0.00001.
gnomAD v4.1: 3 of 1,613,876 alleles (0.00019%); highest among the groups gnomAD compares: African/African-American, 0.004%; no homozygotes.

Submissions (2):

Labcorp Genetics (formerly Invitae), Labcorp
Classification: Uncertain significance for Niemann-Pick disease, type C1. Last evaluated: 2022-08-23. Review status: criteria provided, single submitter. Criteria: Invitae Variant Classification Sherloc (09022015). Collection method: clinical testing. Allele origin: germline.
Comment: This sequence change falls in intron 6 of the NPC1 gene. It does not directly change the encoded amino acid sequence of the NPC1 protein. It affects a nucleotide within the consensus splice site. This variant is present in population databases (no rsID available, gnomAD 0.01%). This variant has not been reported in the literature in individuals affected with NPC1-related conditions. ClinVar contains an entry for this variant (Variation ID: 1404081). Variants that disrupt the consensus splice site are a relatively common cause of aberrant splicing (PMID: 17576681, 9536098). Algorithms developed to predict the effect of sequence changes on RNA splicing suggest that this variant is not likely to affect RNA splicing. In summary, the available evidence is currently insufficient to determine the role of this variant in disease. Therefore, it has been classified as a Variant of Uncertain Significance.

PreventionGenetics, part of Exact Sciences
Classification: Likely benign for NPC1-related condition. Last evaluated: 2024-01-03. Review status: no assertion criteria provided. Collection method: clinical testing. Allele origin: germline. Not counted in ClinVar's aggregate classification.
Comment: This variant is classified as likely benign based on ACMG/AMP sequence variant interpretation guidelines (Richards et al. 2015 PMID: 25741868, with internal and published modifications).

Literature cited by the submitters: PubMed 17576681 (cited by Labcorp Genetics (formerly Invitae), Labcorp); PubMed 9536098 (cited by Labcorp Genetics (formerly Invitae), Labcorp).